The following is an entry in ClinVar:

NM_138927.4(SON):c.3342G>C (p.Met1114Ile)

Gene: SON (SON DNA and RNA binding protein; plus strand). Cytogenetic location: 21q22.11.
Variant type: single nucleotide variant.
Coding change: c.3342G>C on transcript NM_138927.4 (MANE Select); coding-DNA position 3342, G replaced by C.
Protein change: p.Met1114Ile; replaces methionine 1114 with isoleucine.
Molecular consequence: missense variant. On other transcripts: non-coding transcript variant (1), intron variant (1).
Genome position (GRCh38, 1-based): chr21:33,552,573, G>C. VCF-style: chr21-33552573-G-C. GRCh37 (hg19) VCF-style: chr21-34924879-G-C.
Other names: c.3342G>C, p.Met1114Ile (NM_001291411.2, NM_001412133.1, NM_032195.3 and 2 more transcripts); c.245-4583G>C (NM_001291412.3); short protein forms M1114I.
Identifiers: ClinVar variation 1930805 (VCV001930805.5), dbSNP rs1360437960, ClinGen allele CA410159987.
Genomic context (GRCh38, chr21:33,552,573, plus strand): 5'-GTCATACTCTGCTGCTGACCGGTCTATGATGTCATCGTACTCTGCAGCTGACCGATCTAT[G>C]ATGTCATCTTATACTGCTGATCGTTCAATGATGTCTATGGCTGCTGATTCTTACACCGAT-3'
Protein context (NP_620305.3, residues 1104-1124): MSSYSAADRS[Met1114Ile]MSSYTADRSM

ClinVar aggregate classification (germline): Uncertain significance (1 of 4 stars; one submission).

Allele frequency attached by ClinVar (database versions not stated): gnomAD exomes below 0.00001; TOPMed below 0.00001.

Submission:

Labcorp Genetics (formerly Invitae), Labcorp
Classification: Uncertain significance. Last evaluated: 2026-02-03. Review status: criteria provided, single submitter. Criteria: Invitae Variant Classification Sherloc (09022015). Collection method: clinical testing. Allele origin: germline.
Comment: This sequence change replaces methionine, which is neutral and non-polar, with isoleucine, which is neutral and non-polar, at codon 1114 of the SON protein (p.Met1114Ile). This variant is present in population databases (no rsID available, gnomAD 0.003%). This variant has not been reported in the literature in individuals affected with SON-related conditions. ClinVar contains an entry for this variant (Variation ID: 1930805). An algorithm developed to predict the effect of missense changes on protein structure and function (PolyPhen-2) suggests that this variant is likely to be disruptive. In summary, the available evidence is currently insufficient to determine the role of this variant in disease. Therefore, it has been classified as a Variant of Uncertain Significance.